The following is an entry in ClinVar:

ClinVar aggregate classification (germline): Uncertain significance. Review status: criteria provided, multiple submitters, no conflicts (2 of 4 stars). 2 submissions from 2 submitters: Uncertain significance (2). Last evaluated 2025-09-25.

Conditions:
Inborn genetic diseases. Identifiers: MedGen C0950123, MeSH D030342.

Allele frequency attached by ClinVar (database versions not stated): gnomAD 0.00001; TOPMed 0.00001.
gnomAD v4.1: 2 of 1,613,988 alleles (0.00012%); highest among the groups gnomAD compares: Non-Finnish European, 0.00017%; no homozygotes.

Submissions (2):

Mayo Clinic Laboratories, Mayo Clinic
Classification: Uncertain significance. Last evaluated: 2025-09-25. Review status: criteria provided, single submitter. Criteria: ACMG Guidelines, 2015. Collection method: clinical testing. Allele origin: germline. Observed: 1 variant allele.
Comment: PM2_supporting

Ambry Genetics
Classification: Uncertain significance for Inborn genetic diseases. Last evaluated: 2023-01-06. Review status: criteria provided, single submitter. Criteria: Ambry Variant Classification Scheme 2023. Collection method: clinical testing. Allele origin: germline.

NM_001386393.1(PANK2):c.1049G>A (p.Arg350Lys)

Gene: PANK2 (pantothenate kinase 2; plus strand). Cytogenetic location: 20p13.
Variant type: single nucleotide variant.
Coding change: c.1049G>A on transcript NM_001386393.1 (MANE Select); coding-DNA position 1049, G replaced by A.
Protein change: p.Arg350Lys; replaces arginine 350 with lysine.
Molecular consequence: missense variant. On other transcripts: non-coding transcript variant (1).
Genome position (GRCh38, 1-based): chr20:3,912,601, G>A. VCF-style: chr20-3912601-G-A. GRCh37 (hg19) VCF-style: chr20-3893248-G-A.
Other names: p.Arg460Lys; c.1379G>A (NM_153638.3); c.506G>A, p.Arg169Lys (NM_001324191.2, NM_024960.6, NM_153640.4); c.71G>A, p.Arg24Lys (NM_001324193.2); c.1379G>A, p.Arg460Lys (NM_153638.4); short protein forms R169K, R350K, R24K, R460K.
Identifiers: ClinVar variation 2462759 (VCV002462759.3), dbSNP rs1167616042, ClinGen allele CA408117888.
Genomic context (GRCh38, chr20:3,912,601, plus strand): 5'-GTGGAGATAGCACCAAAGTGGATAAACTAGTACGAGATATTTATGGAGGGGACTATGAGA[G>A]GTTTGGACTGCCAGGCTGGGCTGTGGCTTCAAGGTAAGGGGGCATGTGTGTTCTAAGAAA-3'
Protein context (NP_001373322.1, residues 340-360): VRDIYGGDYE[Arg350Lys]FGLPGWAVAS